The following is an entry in ClinVar:

NM_004655.4(AXIN2):c.881C>T (p.Ala294Val)

Gene: AXIN2 (axin 2; minus strand). Cytogenetic location: 17q24.1.
Variant type: single nucleotide variant.
Coding change: c.881C>T on transcript NM_004655.4 (MANE Select); coding-DNA position 881, C replaced by T.
Protein change: p.Ala294Val; replaces alanine 294 with valine.
Molecular consequence: missense variant.
Genome position (GRCh38, 1-based): chr17:65,549,595, G>A on the plus strand (C>T on the coding strand, the complement: AXIN2 is on the minus strand). VCF-style: chr17-65549595-G-A. GRCh37 (hg19) VCF-style: chr17-63545713-G-A.
Other names: c.881C>T, p.Ala294Val (NM_001363813.1); short protein forms A294V.
Identifiers: ClinVar variation 3470758 (VCV003470758.1).

ClinVar aggregate classification (germline): Uncertain significance (1 of 4 stars; one submission).

Conditions:
Hereditary cancer-predisposing syndrome. Also called: Tumor predisposition; Neoplastic Syndromes, Hereditary; Hereditary neoplastic syndrome; Hereditary Cancer Syndrome. Identifiers: Orphanet 140162, MedGen C0027672, MeSH D009386, MONDO:0015356.

gnomAD v4.1: 1 of 1,607,428 alleles (0.000062%); highest among the groups gnomAD compares: Non-Finnish European, 0.000085%; no homozygotes.

Submission:

Ambry Genetics
Classification: Uncertain significance for Hereditary cancer-predisposing syndrome. Last evaluated: 2024-11-01. Review status: criteria provided, single submitter. Criteria: Ambry Variant Classification Scheme 2023. Collection method: clinical testing. Allele origin: germline.
Comment: The p.A294V variant (also known as c.881C>T), located in coding exon 2 of the AXIN2 gene, results from a C to T substitution at nucleotide position 881. The alanine at codon 294 is replaced by valine, an amino acid with similar properties. This amino acid position is conserved. In addition, the in silico prediction for this alteration is inconclusive. Based on the available evidence, the clinical significance of this variant remains unclear.